The following is an entry in ClinVar:

ClinVar aggregate classification (germline): Pathogenic. Review status: criteria provided, single submitter (1 of 4 stars). 2 submissions from 1 submitter: Pathogenic (2). Last evaluated 2021-08-27.

Conditions:
Arrhythmogenic right ventricular dysplasia 8 (ARVD8). Also called: Arrhythmogenic Right Ventricular Dysplasia/Cardiomyopathy 8; ARRHYTHMOGENIC RIGHT VENTRICULAR DYSPLASIA, FAMILIAL, 8; ARRHYTHMOGENIC RIGHT VENTRICULAR CARDIOMYOPATHY 8. Identifiers: MedGen C1843896, MONDO:0011831, OMIM 607450.
Arrhythmogenic cardiomyopathy with wooly hair and keratoderma. Also called: Dilated cardiomyopathy with woolly hair and keratoderma; Arrhythmogenic cardiomyopathy with woolly hair and keratoderma; PALMOPLANTAR KERATODERMA WITH LEFT VENTRICULAR CARDIOMYOPATHY AND WOOLLY HAIR; Carvajal syndrome. Identifiers: Orphanet 65282, MedGen C1854063, MONDO:0011581, OMIM 605676.

Submissions (2):

Labcorp Genetics (formerly Invitae), Labcorp
Classification: Pathogenic for Arrhythmogenic cardiomyopathy with wooly hair and keratoderma; Arrhythmogenic right ventricular dysplasia 8. Last evaluated: 2021-08-27. Review status: criteria provided, single submitter. Criteria: Invitae Variant Classification Sherloc (09022015). Collection method: clinical testing. Allele origin: germline.
Comment: This sequence change creates a premature translational stop signal (p.Thr983Hisfs*22) in the DSP gene. It is expected to result in an absent or disrupted protein product. This variant is not present in population databases (ExAC no frequency). This variant has not been reported in the literature in individuals with DSP-related conditions. Loss-of-function variants in DSP are known to be pathogenic (PMID: 20716751, 24503780, 25227139). For these reasons, this variant has been classified as Pathogenic.

Labcorp Genetics (formerly Invitae), Labcorp
Classification: Pathogenic for Arrhythmogenic right ventricular dysplasia 8. Last evaluated: 2017-02-22. Review status: criteria provided, single submitter. Criteria: Invitae Variant Classification Sherloc (09022015). Collection method: clinical testing. Allele origin: germline.
Comment: This sequence change deletes 2 nucleotides from exon 21 of the DSP mRNA (c.2947_2948delAC), causing a frameshift at codon 983. This creates a premature translational stop signal (p.Thr983Hisfs*22) and is expected to result in an absent or disrupted protein product. While this particular variant has not been reported in the literature, loss-of-function variants in DSP are known to be pathogenic (PMID: 16061754, 20716751, 24503780). For these reasons, this variant has been classified as Pathogenic.

Literature cited by the submitters: PubMed 20716751; PubMed 24503780; PubMed 25227139.

NM_004415.4(DSP):c.2947_2948del (p.Thr983fs)

Gene: DSP (desmoplakin; plus strand). Cytogenetic location: 6p24.3.
Variant type: Deletion.
Coding change: c.2947_2948del on transcript NM_004415.4 (MANE Select); coding-DNA positions 2947 to 2948, 2 bases deleted (AC; older notation c.2947_2948delAC).
Protein change: p.Thr983fs; shifts the reading frame from threonine 983.
Molecular consequence: frameshift variant.
Genome position (GRCh38, 1-based): chr6:7,577,848-7,577,849, AC deleted. VCF-style (leftmost placement, unchanged base first): chr6-7577847-GAC-G. GRCh37 (hg19) VCF-style: chr6-7578080-GAC-G.
Other names: c.2947_2948del (LRG_423t1); c.2947_2948del, p.Thr983fs (NM_001008844.3, NM_001319034.2); short protein forms T983fs.
Identifiers: ClinVar variation 464959 (VCV000464959.8), dbSNP rs1554107839, ClinGen allele CA658655944.
Genomic context (GRCh38, chr6:7,577,847, plus strand): 5'-GCTCCAGCTGGCCTCATACACCTCAGGACTGGAAACTCTGCTGAACATACCTATCAAGAG[GAC>G]CATGATTCAGTCCCCTTCTGGGGTGATTCTGCAAGAGGTATATATGTCATCACATATCTC-3'